The following is an entry in ClinVar:

ClinVar aggregate classification (germline): Uncertain significance. Review status: criteria provided, multiple submitters, no conflicts (2 of 4 stars). 2 submissions from 2 submitters: Uncertain significance (2). Last evaluated 2026-01-17.

Conditions:
Hereditary cancer-predisposing syndrome. Also called: Neoplastic Syndromes, Hereditary; Hereditary Cancer Syndrome; Hereditary neoplastic syndrome; Tumor predisposition. Identifiers: Orphanet 140162, MedGen C0027672, MeSH D009386, MONDO:0015356.
Multiple endocrine neoplasia, type 1 (MEN1). Also called: MEA I; MEN I; WERMER SYNDROME; Endocrine adenomatosis multiple; MEN 1. Identifiers: Orphanet 652, MedGen C0025267, MeSH D018761, MONDO:0007540, OMIM 131100.

Allele frequency attached by ClinVar (database versions not stated): TOPMed below 0.00001.

Submissions (2):

Labcorp Genetics (formerly Invitae), Labcorp
Classification: Uncertain significance for Multiple endocrine neoplasia, type 1. Last evaluated: 2026-01-17. Review status: criteria provided, single submitter. Criteria: Invitae Variant Classification Sherloc (09022015). Collection method: clinical testing. Allele origin: germline.
Comment: This sequence change replaces glutamic acid, which is acidic and polar, with lysine, which is basic and polar, at codon 290 of the MEN1 protein (p.Glu290Lys). This variant is not present in population databases (gnomAD no frequency). This variant has not been reported in the literature in individuals affected with MEN1-related conditions. ClinVar contains an entry for this variant (Variation ID: 646342). Invitae Evidence Modeling of protein sequence and biophysical properties (such as structural, functional, and spatial information, amino acid conservation, physicochemical variation, residue mobility, and thermodynamic stability) has been performed for this missense variant. However, the output from this modeling did not meet the statistical confidence thresholds required to predict the impact of this variant on MEN1 protein function. In summary, the available evidence is currently insufficient to determine the role of this variant in disease. Therefore, it has been classified as a Variant of Uncertain Significance.

Ambry Genetics
Classification: Uncertain significance for Hereditary cancer-predisposing syndrome. Last evaluated: 2024-02-26. Review status: criteria provided, single submitter. Criteria: Ambry Variant Classification Scheme 2023. Collection method: clinical testing. Allele origin: germline.
Comment: The p.E290K variant (also known as c.868G>A), located in coding exon 5 of the MEN1 gene, results from a G to A substitution at nucleotide position 868. The glutamic acid at codon 290 is replaced by lysine, an amino acid with similar properties. This amino acid position is highly conserved in available vertebrate species. In addition, the in silico prediction for this alteration is inconclusive. Since supporting evidence is limited at this time, the clinical significance of this alteration remains unclear.

NM_001370259.2(MEN1):c.868G>A (p.Glu290Lys)

Gene: MEN1 (menin 1; minus strand). Cytogenetic location: 11q13.1.
Variant type: single nucleotide variant.
Coding change: c.868G>A on transcript NM_001370259.2 (MANE Select); coding-DNA position 868, G replaced by A.
Protein change: p.Glu290Lys; replaces glutamic acid 290 with lysine.
Molecular consequence: missense variant.
Genome position (GRCh38, 1-based): chr11:64,807,055, C>T on the plus strand (G>A on the coding strand, the complement: MEN1 is on the minus strand). VCF-style: chr11-64807055-C-T. GRCh37 (hg19) VCF-style: chr11-64574527-C-T.
Other names: c.883G>A, p.Glu295Lys (NM_000244.4, NM_130800.3, NM_130801.3 and 3 more transcripts); c.868G>A, p.Glu290Lys (NM_001370251.2, NM_001370260.2, NM_001370261.2 and 1 more transcripts); c.763G>A, p.Glu255Lys (NM_001370262.2, NM_001370263.2); short protein forms E290K, E255K, E295K.
Identifiers: ClinVar variation 646342 (VCV000646342.15), dbSNP rs1335117435, ClinGen allele CA381183568.
Genomic context (GRCh38, chr11:64,807,055, plus strand): 5'-CCTTAGATGCCCCCACCTTGTGGTAGAGGGTGAGTGGGTCTGGCCGGCCAGGGGTGGGCT[C>T]CAGCTCCTCTAGATCTGCCAGGTTCCCTAAGGCCATGGGGTACCTAGGAAAGGATCATAA-3'
Protein context (NP_001357188.2, residues 280-300): LGNLADLEEL[Glu290Lys]PTPGRPDPLT